The following is an entry in ClinVar:

NM_003079.5(SMARCE1):c.743T>C (p.Ile248Thr)

Gene: SMARCE1 (SWI/SNF related BAF chromatin remodeling complex subunit E1; minus strand). Cytogenetic location: 17q21.2.
Variant type: single nucleotide variant.
Coding change: c.743T>C on transcript NM_003079.5 (MANE Select); coding-DNA position 743, T replaced by C.
Protein change: p.Ile248Thr; replaces isoleucine 248 with threonine.
Molecular consequence: missense variant.
Genome position (GRCh38, 1-based): chr17:40,631,665, A>G on the plus strand (T>C on the coding strand, the complement: SMARCE1 is on the minus strand). VCF-style: chr17-40631665-A-G. GRCh37 (hg19) VCF-style: chr17-38787917-A-G.
Other names: short protein forms I248T.
Identifiers: ClinVar variation 3017354 (VCV003017354.4), dbSNP rs1385767772, ClinGen allele CA399364457.

ClinVar aggregate classification (germline): Uncertain significance. Review status: criteria provided, multiple submitters, no conflicts (2 of 4 stars). 2 submissions from 2 submitters: Uncertain significance (2). Last evaluated 2026-06-14.

Conditions:
Hereditary cancer-predisposing syndrome. Also called: Hereditary neoplastic syndrome; Neoplastic Syndromes, Hereditary; Tumor predisposition; Hereditary Cancer Syndrome. Identifiers: Orphanet 140162, MedGen C0027672, MeSH D009386, MONDO:0015356.
Familial meningioma. Also called: Meningioma, familial, susceptibility to. Identifiers: Orphanet 263662, MedGen C3551915, MONDO:0011789, OMIM 607174.

Allele frequency attached by ClinVar (database versions not stated): gnomAD exomes below 0.00001; gnomAD 0.00001; TOPMed 0.00001.
gnomAD v4.1: 3 of 1,610,668 alleles (0.00019%); highest among the groups gnomAD compares: African/African-American, 0.004%; no homozygotes.

Submissions (2):

Ambry Genetics
Classification: Uncertain significance for Hereditary cancer-predisposing syndrome. Last evaluated: 2026-06-14. Review status: criteria provided, single submitter. Criteria: Ambry Variant Classification Scheme 2023. Collection method: clinical testing. Allele origin: germline.
Comment: The p.I248T variant (also known as c.743T>C), located in coding exon 8 of the SMARCE1 gene, results from a T to C substitution at nucleotide position 743. The isoleucine at codon 248 is replaced by threonine, an amino acid with similar properties. This amino acid position is conserved. In addition, the in silico prediction for this alteration is inconclusive. Based on the available evidence, the clinical significance of this variant remains unclear.

Labcorp Genetics (formerly Invitae), Labcorp
Classification: Uncertain significance for Familial meningioma. Last evaluated: 2024-04-01. Review status: criteria provided, single submitter. Criteria: Invitae Variant Classification Sherloc (09022015). Collection method: clinical testing. Allele origin: germline.
Comment: This sequence change replaces isoleucine, which is neutral and non-polar, with threonine, which is neutral and polar, at codon 248 of the SMARCE1 protein (p.Ile248Thr). This variant is present in population databases (no rsID available, gnomAD 0.01%). This variant has not been reported in the literature in individuals affected with SMARCE1-related conditions. Advanced modeling of protein sequence and biophysical properties (such as structural, functional, and spatial information, amino acid conservation, physicochemical variation, residue mobility, and thermodynamic stability) has been performed at Invitae for this missense variant, however the output from this modeling did not meet the statistical confidence thresholds required to predict the impact of this variant on SMARCE1 protein function. In summary, the available evidence is currently insufficient to determine the role of this variant in disease. Therefore, it has been classified as a Variant of Uncertain Significance.